The following is an entry in ClinVar:

ClinVar aggregate classification (germline): Uncertain significance (1 of 4 stars; one submission).

Allele frequency attached by ClinVar (database versions not stated): gnomAD exomes 0.00001.
gnomAD v4.1: 3 of 1,610,540 alleles (0.00019%); highest among the groups gnomAD compares: East Asian, 0.0045%; no homozygotes.

Submission:

Labcorp Genetics (formerly Invitae), Labcorp
Classification: Uncertain significance. Last evaluated: 2022-06-20. Review status: criteria provided, single submitter. Criteria: Invitae Variant Classification Sherloc (09022015). Collection method: clinical testing. Allele origin: germline.
Comment: In summary, the available evidence is currently insufficient to determine the role of this variant in disease. Therefore, it has been classified as a Variant of Uncertain Significance. Algorithms developed to predict the effect of missense changes on protein structure and function output the following: SIFT: "Tolerated"; PolyPhen-2: "Possibly Damaging"; Align-GVGD: "Class C0". The serine amino acid residue is found in multiple mammalian species, which suggests that this missense change does not adversely affect protein function. This variant has not been reported in the literature in individuals affected with ADGRV1-related conditions. This variant is not present in population databases (gnomAD no frequency). This sequence change replaces asparagine, which is neutral and polar, with serine, which is neutral and polar, at codon 922 of the ADGRV1 protein (p.Asn922Ser).

NM_032119.4(ADGRV1):c.2765A>G (p.Asn922Ser)

Gene: ADGRV1 (adhesion G protein-coupled receptor V1; plus strand). Cytogenetic location: 5q14.3.
Variant type: single nucleotide variant.
Coding change: c.2765A>G on transcript NM_032119.4 (MANE Select); coding-DNA position 2765, A replaced by G.
Protein change: p.Asn922Ser; replaces asparagine 922 with serine.
Molecular consequence: missense variant. On other transcripts: non-coding transcript variant (1).
Genome position (GRCh38, 1-based): chr5:90,644,736, A>G. VCF-style: chr5-90644736-A-G. GRCh37 (hg19) VCF-style: chr5-89940553-A-G.
Other names: short protein forms N922S.
Identifiers: ClinVar variation 1462006 (VCV001462006.8), dbSNP rs1753075938, ClinGen allele CA360390504.
Genomic context (GRCh38, chr5:90,644,736, plus strand): 5'-ATATGTATTATGTATGTTTCCATTTCACAGCTGTTTATGATGTAGTAAGAAATCGAGGCA[A>G]CTTTGGTGATGTTAGTGTATCATGGGTGGTTAGTCCAGACTTTACACAAGATGTATTTCC-3'
Protein context (NP_115495.3, residues 912-932): AVYDVVRNRG[Asn922Ser]FGDVSVSWVV